The following is an entry in ClinVar:

ClinVar aggregate classification (germline): Uncertain significance (1 of 4 stars; one submission).

Conditions:
CHD5-related disorder. Also called: CHD5-related condition.

Submission:

PreventionGenetics, part of Exact Sciences
Classification: Uncertain significance for CHD5-related condition. Last evaluated: 2023-09-08. Review status: criteria provided, single submitter. Criteria: ACMG Guidelines, 2015. Collection method: clinical testing. Allele origin: germline.
Comment: The CHD5 c.1843A>G variant is predicted to result in the amino acid substitution p.Lys615Glu. To our knowledge, this variant has not been reported in the literature or in a large population database, indicating this variant is rare. At this time, the clinical significance of this variant is uncertain due to the absence of conclusive functional and genetic evidence.

NM_015557.3(CHD5):c.1843A>G (p.Lys615Glu)

Gene: CHD5 (chromodomain helicase DNA binding protein 5; minus strand). Cytogenetic location: 1p36.31.
Variant type: single nucleotide variant.
Coding change: c.1843A>G on transcript NM_015557.3 (MANE Select); coding-DNA position 1843, A replaced by G.
Protein change: p.Lys615Glu; replaces lysine 615 with glutamic acid.
Molecular consequence: missense variant.
Genome position (GRCh38, 1-based): chr1:6,144,115, T>C on the plus strand (A>G on the coding strand, the complement: CHD5 is on the minus strand). VCF-style: chr1-6144115-T-C. GRCh37 (hg19) VCF-style: chr1-6204175-T-C.
Other names: short protein forms K615E.
Identifiers: ClinVar variation 2629001 (VCV002629001.1), dbSNP rs2525414372, ClinGen allele CA338081709.